The following is an entry in ClinVar:

NM_006662.3(SRCAP):c.2328T>C (p.Thr776=)

Gene: SRCAP (Snf2 related CREBBP activator protein; plus strand). Cytogenetic location: 16p11.2.
Variant type: single nucleotide variant.
Coding change: c.2328T>C on transcript NM_006662.3 (MANE Select); coding-DNA position 2328, T replaced by C.
Protein change: p.Thr776=; no amino-acid change (threonine 776 retained).
Molecular consequence: synonymous variant.
Genome position (GRCh38, 1-based): chr16:30,713,546, T>C. VCF-style: chr16-30713546-T-C. GRCh37 (hg19) VCF-style: chr16-30724867-T-C.
Other names: c.2328T>C (NM_006662.2).
Identifiers: ClinVar variation 1599309 (VCV001599309.11), dbSNP rs368981651, ClinGen allele CA8011197.

ClinVar aggregate classification (germline): Benign/Likely benign. Review status: criteria provided, multiple submitters, no conflicts (2 of 4 stars). 3 submissions from 3 submitters: Benign (1); Likely benign (1). 1 of the submissions does not count toward it. Last evaluated 2026-01-27.

Conditions:
Floating-Harbor syndrome (FLHS). Also called: Short stature with delayed bone age, expressive language delay, a triangular face with a prominent nose and deep-set eyes; Pelletier-Leisti syndrome; SRCAP-Related Floating-Harbor Syndrome. Identifiers: Orphanet 2044, MedGen C0729582, MONDO:0007621, OMIM 136140.
Developmental delay, hypotonia, musculoskeletal defects, and behavioral abnormalities. Identifiers: MedGen C5562012, MONDO:0859202, OMIM 619595.
SRCAP-related disorder. Also called: SRCAP-related condition.

Allele frequency attached by ClinVar (database versions not stated): gnomAD exomes 0.00002 and 0.00011; TOPMed 0.00004; gnomAD 0.00007 and 0.00002; ExAC 0.00013; 1000 Genomes Project 0.00060; 1000 Genomes Project 30x 0.00062.
gnomAD v4.1: 53 of 1,614,158 alleles (0.0033%); highest among the groups gnomAD compares: East Asian, 0.04%; no homozygotes.

Submissions (3):

Labcorp Genetics (formerly Invitae), Labcorp
Classification: Benign. Last evaluated: 2026-01-27. Review status: criteria provided, single submitter. Criteria: Invitae Variant Classification Sherloc (09022015). Collection method: clinical testing. Allele origin: germline.

Fulgent Genetics
Classification: Likely benign for Floating-Harbor syndrome; Developmental delay, hypotonia, musculoskeletal defects, and behavioral abnormalities. Last evaluated: 2021-08-17. Review status: criteria provided, single submitter. Criteria: ACMG Guidelines, 2015. Collection method: clinical testing. Allele origin: unknown.

PreventionGenetics, part of Exact Sciences
Classification: Likely benign for SRCAP-related condition. Last evaluated: 2019-08-16. Review status: no assertion criteria provided. Collection method: clinical testing. Allele origin: germline. Not counted in ClinVar's aggregate classification.
Comment: This variant is classified as likely benign based on ACMG/AMP sequence variant interpretation guidelines (Richards et al. 2015 PMID: 25741868, with internal and published modifications).